The following is an entry in ClinVar:

ClinVar aggregate classification (germline): Conflicting classifications of pathogenicity. Review status: criteria provided, conflicting classifications (1 of 4 stars). 5 submissions from 5 submitters: Uncertain significance (4); Likely benign (1). Last evaluated 2025-09-10.

Conditions:
Inborn genetic diseases. Identifiers: MedGen C0950123, MeSH D030342.
Wolfram syndrome 1 (WFS1). Identifiers: Orphanet 3463, MedGen C4551693, MONDO:0009101, OMIM 222300.

Allele frequency attached by ClinVar (database versions not stated): gnomAD exomes 0.00007; ExAC 0.00013; gnomAD 0.00038 and 0.00039; TOPMed 0.00042; 1000 Genomes Project 0.00060; 1000 Genomes Project 30x 0.00078.
gnomAD v4.1: 111 of 1,590,016 alleles (0.007%); highest among the groups gnomAD compares: African/African-American, 0.11%; no homozygotes.

Submissions (5):

Labcorp Genetics (formerly Invitae), Labcorp
Classification: Likely benign. Last evaluated: 2025-09-10. Review status: criteria provided, single submitter. Criteria: Invitae Variant Classification Sherloc (09022015). Collection method: clinical testing. Allele origin: germline.

GeneDx
Classification: Uncertain significance. Last evaluated: 2023-09-10. Review status: criteria provided, single submitter. Criteria: GeneDx Variant Classification Process June 2021. Collection method: clinical testing. Allele origin: germline. Affected: yes.
Comment: In silico analysis supports that this missense variant does not alter protein structure/function; Has not been previously published as pathogenic or benign to our knowledge

Blueprint Genetics
Classification: Uncertain significance. Last evaluated: 2023-05-02. Review status: criteria provided, single submitter. Criteria: ACMG Guidelines, 2015. Collection method: clinical testing. Allele origin: germline.

Ambry Genetics
Classification: Uncertain significance for Inborn genetic diseases. Last evaluated: 2021-08-02. Review status: criteria provided, single submitter. Criteria: Ambry Variant Classification Scheme 2023. Collection method: clinical testing. Allele origin: germline.

Clinical Genomics, Uppaluri K&H Personalized Medicine Clinic
Classification: Uncertain significance for Wolfram syndrome 1. Review status: criteria provided, single submitter. Criteria: K & H Uppaluri Personalized Medicine Clinic Variant Classification & Assertion Criteria_Updated V.1. Collection method: research. Allele origin: unknown. Inheritance: Autosomal recessive inheritance.
Comment: Potent mutations in WFS1 gene are associated with Wolfram's syndrome, an autosomal recessive condition, which cause diabetes mellitus, diabetes insipidus, deafness and optic atrophy.However no sufficient evidence is found to ascertain the role of this particular variant rs550975729 in Wolfram's syndrome yet.

Literature cited by the submitters: PubMed 20738327 (cited by Clinical Genomics, Uppaluri K&H Personalized Medicine Clinic); PubMed 33879153 (cited by Clinical Genomics, Uppaluri K&H Personalized Medicine Clinic); PubMed 12955714 (cited by Clinical Genomics, Uppaluri K&H Personalized Medicine Clinic); PubMed 18060660 (cited by Clinical Genomics, Uppaluri K&H Personalized Medicine Clinic); PubMed 20301750 (cited by Clinical Genomics, Uppaluri K&H Personalized Medicine Clinic); PubMed 17603484 (cited by Clinical Genomics, Uppaluri K&H Personalized Medicine Clinic).

NM_006005.3(WFS1):c.92C>G (p.Ala31Gly)

Gene: WFS1 (wolframin ER transmembrane glycoprotein; plus strand). Cytogenetic location: 4p16.1.
Variant type: single nucleotide variant.
Coding change: c.92C>G on transcript NM_006005.3 (MANE Select); coding-DNA position 92, C replaced by G.
Protein change: p.Ala31Gly; replaces alanine 31 with glycine.
Molecular consequence: missense variant.
Genome position (GRCh38, 1-based): chr4:6,277,547, C>G. VCF-style: chr4-6277547-C-G. GRCh37 (hg19) VCF-style: chr4-6279274-C-G.
Other names: c.92C>G, p.Ala31Gly (NM_001145853.1); short protein forms A31G.
Identifiers: ClinVar variation 215373 (VCV000215373.52), dbSNP rs550975729, ClinGen allele CA322377.
Genomic context (GRCh38, chr4:6,277,547, plus strand): 5'-CCTGCCCACAGCCCCCGCCAGCACCGCAGCCCCAGGCGCGTTCCCGACTCAATGCCACAG[C>G]CTCGTTGGAGCAGGAGAGGAGCGAAAGGCCCCGAGCACCCGGACCCCAGGCTGGCCCTGG-3'
Protein context (NP_005996.2, residues 21-41): PQARSRLNAT[Ala31Gly]SLEQERSERP